The following is an entry in ClinVar:

NM_006231.4(POLE):c.913T>C (p.Tyr305His)

Gene: POLE (DNA polymerase epsilon, catalytic subunit; minus strand). Cytogenetic location: 12q24.33.
Variant type: single nucleotide variant.
Coding change: c.913T>C on transcript NM_006231.4 (MANE Select); coding-DNA position 913, T replaced by C.
Protein change: p.Tyr305His; replaces tyrosine 305 with histidine.
Molecular consequence: missense variant.
Genome position (GRCh38, 1-based): chr12:132,676,201, A>G on the plus strand (T>C on the coding strand, the complement: POLE is on the minus strand). VCF-style: chr12-132676201-A-G. GRCh37 (hg19) VCF-style: chr12-133252787-A-G.
Other names: short protein forms Y305H.
Identifiers: ClinVar variation 4825828 (VCV004825828.1).
Genomic context (GRCh38, chr12:132,676,201, plus strand): 5'-TGGGGGTGAACTCAAAATCTTCAATATCTTCTGAAACAATCTCCCTGTTGGTGATGAGGT[A>G]GCCCTAGCCAAGTTCATTAGCAATCAGCACAAGTCAGAGGCTGCAAAGCCAAGAAATGGC-3'
Protein context (NP_006222.2, residues 295-315): MISYMIDGQG[Tyr305His]LITNREIVSE

ClinVar aggregate classification (germline): Uncertain significance (1 of 4 stars; one submission).

Conditions:
Hereditary cancer-predisposing syndrome. Also called: Neoplastic Syndromes, Hereditary; Tumor predisposition; Hereditary Cancer Syndrome; Hereditary neoplastic syndrome. Identifiers: Orphanet 140162, MedGen C0027672, MeSH D009386, MONDO:0015356.

Submission:

Ambry Genetics
Classification: Uncertain significance for Hereditary cancer-predisposing syndrome. Last evaluated: 2026-03-09. Review status: criteria provided, single submitter. Criteria: Ambry Variant Classification Scheme 2023. Collection method: clinical testing. Allele origin: germline.
Comment: The p.Y305H variant (also known as c.913T>C), located in coding exon 10 of the POLE gene, results from a T to C substitution at nucleotide position 913. The tyrosine at codon 305 is replaced by histidine, an amino acid with similar properties. This amino acid position is conserved. In addition, this alteration is predicted to be tolerated by in silico analysis. Based on the available evidence, the clinical significance of this variant remains unclear.